The following is an entry in ClinVar:

ClinVar aggregate classification (germline): Uncertain significance. Review status: criteria provided, multiple submitters, no conflicts (2 of 4 stars). 2 submissions from 2 submitters: Uncertain significance (2). Last evaluated 2022-07-12.

Conditions:
Bardet-biedl syndrome 21. Identifiers: MedGen C4319932, MONDO:0044308, OMIM 617406.
Retinitis pigmentosa (RP). Identifiers: Orphanet 791, MedGen C0035334, MeSH D012174, MONDO:0019200, OMIM 268000. Inheritance: Autosomal dominant, autosomal recessive and X linked inheritance.
Cone-rod dystrophy 16 (CORD16). Identifiers: MedGen C3281045, MONDO:0013786, OMIM 614500.

Allele frequency attached by ClinVar (database versions not stated): gnomAD exomes below 0.00001.

Submissions (2):

Labcorp Genetics (formerly Invitae), Labcorp
Classification: Uncertain significance. Last evaluated: 2022-07-12. Review status: criteria provided, single submitter. Criteria: Invitae Variant Classification Sherloc (09022015). Collection method: clinical testing. Allele origin: germline.
Comment: This variant has not been reported in the literature in individuals affected with C8orf37-related conditions. ClinVar contains an entry for this variant (Variation ID: 1681121). Algorithms developed to predict the effect of missense changes on protein structure and function output the following: SIFT: "Deleterious"; PolyPhen-2: "Benign"; Align-GVGD: "Class C0". The asparagine amino acid residue is found in multiple mammalian species, which suggests that this missense change does not adversely affect protein function. In summary, the available evidence is currently insufficient to determine the role of this variant in disease. Therefore, it has been classified as a Variant of Uncertain Significance. This sequence change replaces serine, which is neutral and polar, with asparagine, which is neutral and polar, at codon 141 of the C8orf37 protein (p.Ser141Asn). This variant is not present in population databases (gnomAD no frequency).

Fulgent Genetics
Classification: Uncertain significance for Retinitis pigmentosa; Cone-rod dystrophy 16; Bardet-biedl syndrome 21. Last evaluated: 2022-05-18. Review status: criteria provided, single submitter. Criteria: ACMG Guidelines, 2015. Collection method: clinical testing. Allele origin: unknown.

NM_177965.4(CFAP418):c.422G>A (p.Ser141Asn)

Gene: CFAP418 (cilia and flagella associated protein 418; minus strand). Cytogenetic location: 8q22.1.
Variant type: single nucleotide variant.
Coding change: c.422G>A on transcript NM_177965.4 (MANE Select); coding-DNA position 422, G replaced by A.
Protein change: p.Ser141Asn; replaces serine 141 with asparagine.
Molecular consequence: missense variant. On other transcripts: intron variant (1).
Genome position (GRCh38, 1-based): chr8:95,252,236, C>T on the plus strand (G>A on the coding strand, the complement: CFAP418 is on the minus strand). VCF-style: chr8-95252236-C-T. GRCh37 (hg19) VCF-style: chr8-96264464-C-T.
Other names: c.375-4466G>A (NM_001363260.1); short protein forms S141N.
Identifiers: ClinVar variation 1681121 (VCV001681121.8), dbSNP rs2132155183, ClinGen allele CA371838545.